The following is an entry in ClinVar:

NM_001039.4(SCNN1G):c.1827G>C (p.Leu609Phe)

Gene: SCNN1G (sodium channel epithelial 1 subunit gamma; plus strand). Cytogenetic location: 16p12.2.
Variant type: single nucleotide variant.
Coding change: c.1827G>C on transcript NM_001039.4 (MANE Select); coding-DNA position 1827, G replaced by C.
Protein change: p.Leu609Phe; replaces leucine 609 with phenylalanine.
Molecular consequence: missense variant.
Genome position (GRCh38, 1-based): chr16:23,215,346, G>C. VCF-style: chr16-23215346-G-C. GRCh37 (hg19) VCF-style: chr16-23226667-G-C.
Other names: short protein forms L609F.
Identifiers: ClinVar variation 318360 (VCV000318360.12), dbSNP rs745715995, ClinGen allele CA7959981.
Genomic context (GRCh38, chr16:23,215,346, plus strand): 5'-GGGCCAGGACAATCCAGCCCTGGATATAGACGATGACCTACCCACTTTCAACTCTGCTTT[G>C]CACCTGCCTCCAGCCCTAGGAACCCAAGTGCCCGGCACACCGCCCCCCAAATACAATACC-3'
Protein context (NP_001030.2, residues 599-619): DDDLPTFNSA[Leu609Phe]HLPPALGTQV

ClinVar aggregate classification (germline): Conflicting classifications of pathogenicity. Review status: criteria provided, conflicting classifications (1 of 4 stars). 5 submissions from 4 submitters: Uncertain significance (2); Likely benign (2). 1 of the submissions does not count toward it. Last evaluated 2024-03-16.

Conditions:
Pseudohypoaldosteronism, type IB1, autosomal recessive. Also called: PHA I, AUTOSOMAL RECESSIVE; Pseudohypoaldosteronism, Type I, Autosomal Recessive; Pseudohypoaldosteronism, Type I, Recessive; Autosomal recessive pseudohypoaldosteronism type 1. Identifiers: Orphanet 171876, Orphanet 756, MedGen C5774176, MONDO:0009917, OMIM 264350.
Pseudohypoaldosteronism, type IB3, autosomal recessive (PHA1B3). Identifiers: MedGen C5774256, MONDO:0859318, OMIM 620126.
Bronchiectasis with or without elevated sweat chloride 3 (BESC3). Identifiers: Orphanet 60033, MedGen C2751324, MONDO:0013112, OMIM 613071.
Liddle syndrome 2. Identifiers: MedGen C4748251, MONDO:0020854, OMIM 618114.
SCNN1G-related disorder. Also called: SCNN1G-Related Disorders; SCNN1G-related condition.

Allele frequency attached by ClinVar (database versions not stated): gnomAD 0.00008 and 0.00011; ExAC 0.00009; gnomAD exomes 0.00011; TOPMed 0.00017.
gnomAD v4.1: 195 of 1,614,132 alleles (0.012%); highest among the groups gnomAD compares: East Asian, 0.053%; no homozygotes.

Submissions (5):

Labcorp Genetics (formerly Invitae), Labcorp
Classification: Uncertain significance. Last evaluated: 2024-03-16. Review status: criteria provided, single submitter. Criteria: Invitae Variant Classification Sherloc (09022015). Collection method: clinical testing. Allele origin: germline.
Comment: This sequence change replaces leucine, which is neutral and non-polar, with phenylalanine, which is neutral and non-polar, at codon 609 of the SCNN1G protein (p.Leu609Phe). This variant is present in population databases (rs745715995, gnomAD 0.06%). This missense change has been observed in individual(s) with hypertension (PMID: 15198480). ClinVar contains an entry for this variant (Variation ID: 318360). An algorithm developed to predict the effect of missense changes on protein structure and function (PolyPhen-2) suggests that this variant is likely to be disruptive. In summary, the available evidence is currently insufficient to determine the role of this variant in disease. Therefore, it has been classified as a Variant of Uncertain Significance.

Fulgent Genetics
Classification: Uncertain significance for Bronchiectasis with or without elevated sweat chloride 3; Liddle syndrome 2; Pseudohypoaldosteronism, type IB3, autosomal recessive. Last evaluated: 2024-02-27. Review status: criteria provided, single submitter. Criteria: ACMG Guidelines, 2015. Collection method: clinical testing. Allele origin: germline.

Illumina Laboratory Services, Illumina
Classification: Likely benign for Pseudohypoaldosteronism, type IB1, autosomal recessive. Last evaluated: 2017-04-27. Review status: criteria provided, single submitter. Criteria: ICSL Variant Classification Criteria 13 December 2019. Collection method: clinical testing. Allele origin: germline.
Comment: This variant was observed as part of a predisposition screen in an ostensibly healthy population. A literature search was performed for the gene, cDNA change, and amino acid change (where applicable). No publications were found based on this search. Allele frequency data from public databases allowed determination this variant is unlikely to cause disease. Therefore, this variant is classified as likely benign.

Illumina Laboratory Services, Illumina
Classification: Likely benign for Liddle syndrome 2. Last evaluated: 2017-04-27. Review status: criteria provided, single submitter. Criteria: ICSL Variant Classification Criteria 13 December 2019. Collection method: clinical testing. Allele origin: germline.
Comment: This variant was observed as part of a predisposition screen in an ostensibly healthy population. A literature search was performed for the gene, cDNA change, and amino acid change (where applicable). Publications were found based on this search. The evidence from the literature, in combination with allele frequency data from public databases where available, was sufficient to determine this variant is unlikely to cause disease. Therefore, this variant is classified as likely benign.

PreventionGenetics, part of Exact Sciences
Classification: Uncertain significance for SCNN1G-related condition. Last evaluated: 2024-02-03. Review status: no assertion criteria provided. Collection method: clinical testing. Allele origin: germline. Not counted in ClinVar's aggregate classification.
Comment: The SCNN1G c.1827G>C variant is predicted to result in the amino acid substitution p.Leu609Phe. This variant has been reported in individuals with hypertension, but the clinical significance is unknown (Kamide et al. 2004. PubMed ID: 15198480; Liu et al. 2018. PubMed ID: 28915228). This variant is reported in 0.065% of alleles in individuals of East Asian descent in gnomAD. At this time, the clinical significance of this variant is uncertain due to the absence of conclusive functional and genetic evidence.

Literature cited by the submitters: PubMed 15198480 (cited by Labcorp Genetics (formerly Invitae), Labcorp and Illumina Laboratory Services, Illumina).